The following is an entry in ClinVar:

NM_002471.4(MYH6):c.718G>A (p.Asp240Asn)

Gene: MYH6 (myosin heavy chain 6; minus strand). Cytogenetic location: 14q11.2.
Variant type: single nucleotide variant.
Coding change: c.718G>A on transcript NM_002471.4 (MANE Select); coding-DNA position 718, G replaced by A.
Protein change: p.Asp240Asn; replaces aspartic acid 240 with asparagine.
Molecular consequence: missense variant.
Genome position (GRCh38, 1-based): chr14:23,404,313, C>T on the plus strand (G>A on the coding strand, the complement: MYH6 is on the minus strand). VCF-style: chr14-23404313-C-T. GRCh37 (hg19) VCF-style: chr14-23873522-C-T.
Other names: short protein forms D240N.
Identifiers: ClinVar variation 2143296 (VCV002143296.5), dbSNP rs375030177, ClinGen allele CA7116057.

ClinVar aggregate classification (germline): Uncertain significance. Review status: criteria provided, multiple submitters, no conflicts (2 of 4 stars). 3 submissions from 3 submitters: Uncertain significance (3). Last evaluated 2025-11-21.

Conditions:
Cardiovascular phenotype. Identifiers: MedGen CN230736.
Hypertrophic cardiomyopathy 14. Identifiers: MedGen C2750467, MONDO:0013197, OMIM 613251.

Allele frequency attached by ClinVar (database versions not stated): gnomAD 0.00001; gnomAD exomes 0.00001; TOPMed 0.00002; ExAC 0.00001; ESP Exome Variant Server 0.00008.
gnomAD v4.1: 14 of 1,614,124 alleles (0.00087%); highest among the groups gnomAD compares: East Asian, 0.0022%; no homozygotes.

Submissions (3):

Labcorp Genetics (formerly Invitae), Labcorp
Classification: Uncertain significance for Hypertrophic cardiomyopathy 14. Last evaluated: 2025-11-21. Review status: criteria provided, single submitter. Criteria: Invitae Variant Classification Sherloc (09022015). Collection method: clinical testing. Allele origin: germline.
Comment: This sequence change replaces aspartic acid, which is acidic and polar, with asparagine, which is neutral and polar, at codon 240 of the MYH6 protein (p.Asp240Asn). This variant is present in population databases (rs375030177, gnomAD 0.003%). This variant has not been reported in the literature in individuals affected with MYH6-related conditions. ClinVar contains an entry for this variant (Variation ID: 2143296). Invitae Evidence Modeling of protein sequence and biophysical properties (such as structural, functional, and spatial information, amino acid conservation, physicochemical variation, residue mobility, and thermodynamic stability) has been performed for this missense variant. However, the output from this modeling did not meet the statistical confidence thresholds required to predict the impact of this variant on MYH6 protein function. In summary, the available evidence is currently insufficient to determine the role of this variant in disease. Therefore, it has been classified as a Variant of Uncertain Significance.

GeneDx
Classification: Uncertain significance. Last evaluated: 2025-08-05. Review status: criteria provided, single submitter. Criteria: GeneDx Variant Classification Process June 2021. Collection method: clinical testing. Allele origin: germline. Affected: yes.
Comment: Identified in a fetus with hypoplastic left heart syndrome (HLHS) who also harbored a hemizygous variant in the NONO gene (PMID: 33304389); Not observed at significant frequency in large population cohorts (gnomAD); In silico analysis supports that this missense variant has a deleterious effect on protein structure/function; This variant is associated with the following publications: (PMID: 33304389, 34819141)

Ambry Genetics
Classification: Uncertain significance for Cardiovascular phenotype. Last evaluated: 2025-06-16. Review status: criteria provided, single submitter. Criteria: Ambry Variant Classification Scheme 2023. Collection method: clinical testing. Allele origin: germline.
Comment: The p.D240N variant (also known as c.718G>A), located in coding exon 6 of the MYH6 gene, results from a G to A substitution at nucleotide position 718. The aspartic acid at codon 240 is replaced by asparagine, an amino acid with highly similar properties. This variant was reported in individual(s) with features consistent with MYH6-related congenital heart disease (Sun H et al. Front Genet, 2020 Nov;11:593688). This amino acid position is highly conserved in available vertebrate species. In addition, this alteration is predicted to be tolerated by in silico analysis. Based on the available evidence, the clinical significance of this variant remains unclear.

Literature cited by the submitters: PubMed 33304389 (cited by Ambry Genetics).